The following is an entry in ClinVar:

NM_015294.6(TRIM37):c.1948+2T>C

Gene: TRIM37 (tripartite motif containing 37; minus strand). Cytogenetic location: 17q22.
Variant type: single nucleotide variant.
Coding change: c.1948+2T>C on transcript NM_015294.6 (MANE Select); the canonical splice donor site of the intron after coding-DNA position 1948, T replaced by C.
Molecular consequence: splice donor variant.
Genome position (GRCh38, 1-based): chr17:59,031,894, A>G on the plus strand (T>C on the coding strand, the complement: TRIM37 is on the minus strand). VCF-style: chr17-59031894-A-G. GRCh37 (hg19) VCF-style: chr17-57109255-A-G.
Other names: c.1948+2T>C (NM_001320989.3, NM_001005207.5, NM_001320988.3 and 1 more transcripts); c.1486+2T>C (NM_001353085.2); c.1846+2T>C (NM_001320987.3, NM_001353082.2); c.1897+2T>C (NM_001353086.2); c.1213+2T>C (NM_001353083.2); c.1582+2T>C (NM_001320990.3).
Identifiers: ClinVar variation 1690784 (VCV001690784.3), dbSNP rs2145613542, ClinGen allele CA400396329.

ClinVar aggregate classification (germline): Likely pathogenic. Review status: criteria provided, multiple submitters, no conflicts (2 of 4 stars). 2 submissions from 2 submitters: Likely pathogenic (2). Last evaluated 2023-01-15.

Conditions:
Mulibrey nanism syndrome. Also called: MUSCLE-LIVER-BRAIN-EYE NANISM; PERHEENTUPA SYNDROME; PERICARDIAL CONSTRICTION AND GROWTH FAILURE. Identifiers: Orphanet 2576, MedGen C0524582, MONDO:0009664, OMIM 253250.

Submissions (2):

Baylor Genetics
Classification: Likely pathogenic for Mulibrey nanism syndrome. Last evaluated: 2023-01-15. Review status: criteria provided, single submitter. Criteria: ACMG Guidelines, 2015. Collection method: clinical testing. Allele origin: unknown.

Laboratorio de Genetica e Diagnostico Molecular, Hospital Israelita Albert Einstein
Classification: Likely pathogenic. Last evaluated: 2020-01-28. Review status: criteria provided, single submitter. Criteria: ACMG Guidelines, 2015. Collection method: clinical testing. Allele origin: germline. Affected: yes.
Comment: ACMG classification criteria: PVS1, PM2